The following is an entry in ClinVar:

NM_001792.5(CDH2):c.1016G>A (p.Arg339Gln)

Gene: CDH2 (cadherin 2; minus strand). Cytogenetic location: 18q12.1.
Variant type: single nucleotide variant.
Coding change: c.1016G>A on transcript NM_001792.5 (MANE Select); coding-DNA position 1016, G replaced by A.
Protein change: p.Arg339Gln; replaces arginine 339 with glutamine.
Molecular consequence: missense variant.
Genome position (GRCh38, 1-based): chr18:28,003,001, C>T on the plus strand (G>A on the coding strand, the complement: CDH2 is on the minus strand). VCF-style: chr18-28003001-C-T. GRCh37 (hg19) VCF-style: chr18-25582965-C-T.
Other names: c.923G>A, p.Arg308Gln (NM_001308176.2); short protein forms R339Q, R308Q.
Identifiers: ClinVar variation 4781947 (VCV004781947.1).

ClinVar aggregate classification (germline): Uncertain significance (1 of 4 stars; one submission).

gnomAD v4.1: 8 of 1,612,958 alleles (0.0005%); highest among the groups gnomAD compares: Admixed American, 0.0033%; no homozygotes.

Submission:

Labcorp Genetics (formerly Invitae), Labcorp
Classification: Uncertain significance. Last evaluated: 2025-10-13. Review status: criteria provided, single submitter. Criteria: Invitae Variant Classification Sherloc (09022015). Collection method: clinical testing. Allele origin: germline.
Comment: This sequence change replaces arginine, which is basic and polar, with glutamine, which is neutral and polar, at codon 339 of the CDH2 protein (p.Arg339Gln). This variant is present in population databases (rs201205775, gnomAD 0.003%). This variant has not been reported in the literature in individuals affected with CDH2-related conditions. An algorithm developed to predict the effect of missense changes on protein structure and function (PolyPhen-2) suggests that this variant is likely to be disruptive. In summary, the available evidence is currently insufficient to determine the role of this variant in disease. Therefore, it has been classified as a Variant of Uncertain Significance.